The following is an entry in ClinVar:

ClinVar aggregate classification (germline): Uncertain significance (1 of 4 stars; one submission).

Submission:

GeneDx
Classification: Uncertain significance. Last evaluated: 2024-10-30. Review status: criteria provided, single submitter. Criteria: GeneDx Variant Classification Process June 2021. Collection method: clinical testing. Allele origin: germline. Affected: yes.
Comment: Not observed at significant frequency in large population cohorts (gnomAD); In silico analysis supports that this missense variant has a deleterious effect on protein structure/function; Has not been previously published as pathogenic or benign to our knowledge

NM_001378454.1(ALMS1):c.827C>G (p.Ala276Gly)

Gene: ALMS1 (ALMS1 centrosome and basal body associated protein; plus strand). Cytogenetic location: 2p13.1.
Variant type: single nucleotide variant.
Coding change: c.827C>G on transcript NM_001378454.1 (MANE Select); coding-DNA position 827, C replaced by G.
Protein change: p.Ala276Gly; replaces alanine 276 with glycine.
Molecular consequence: missense variant.
Genome position (GRCh38, 1-based): chr2:73,424,492, C>G. VCF-style: chr2-73424492-C-G. GRCh37 (hg19) VCF-style: chr2-73651620-C-G.
Other names: c.830C>G, p.Ala277Gly (NM_015120.4); short protein forms A276G, A277G.
Identifiers: ClinVar variation 3897416 (VCV003897416.1).